The following is an entry in ClinVar:

NM_001401501.2(MUC16):c.36581+7C>T

Gene: MUC16 (mucin 16, cell surface associated; minus strand). Cytogenetic location: 19p13.2.
Variant type: single nucleotide variant.
Coding change: c.36581+7C>T on transcript NM_001401501.2 (MANE Select); 7 bases into the intron after coding-DNA position 36581, C replaced by T.
Molecular consequence: intron variant.
Genome position (GRCh38, 1-based): chr19:8,922,548, G>A on the plus strand (C>T on the coding strand, the complement: MUC16 is on the minus strand). VCF-style: chr19-8922548-G-A. GRCh37 (hg19) VCF-style: chr19-9033224-G-A.
Other names: c.37007+7C>T (NM_001414686.1); c.36461+7C>T (NM_001414687.1); c.36395+7C>T (NM_024690.2).
Identifiers: ClinVar variation 3038591 (VCV003038591.2), dbSNP rs8113636, ClinGen allele CA9165779.

ClinVar aggregate classification (germline): Benign (0 of 4 stars; one submission).

Conditions:
MUC16-related disorder. Also called: MUC16-related condition.

Allele frequency attached by ClinVar (database versions not stated): ESP Exome Variant Server 0.00874; TOPMed 0.00902; 1000 Genomes Project 0.00739; 1000 Genomes Project 30x 0.00828; gnomAD 0.00842; ExAC 0.00404.

Submission:

PreventionGenetics, part of Exact Sciences
Classification: Benign for MUC16-related condition. Last evaluated: 2019-07-12. Review status: no assertion criteria provided. Collection method: clinical testing. Allele origin: germline.
Comment: This variant is classified as benign based on ACMG/AMP sequence variant interpretation guidelines (Richards et al. 2015 PMID: 25741868, with internal and published modifications).